The following is an entry in ClinVar:

NM_000346.4(SOX9):c.674dup (p.Glu226fs)

Gene: SOX9 (SRY-box transcription factor 9; plus strand). Cytogenetic location: 17q24.3.
Variant type: Duplication.
Coding change: c.674dup on transcript NM_000346.4 (MANE Select); coding-DNA position 674, one base duplicated (G; older notation c.674dupG).
Protein change: p.Glu226fs; shifts the reading frame from glutamic acid 226.
Molecular consequence: frameshift variant.
Genome position (GRCh38, 1-based): chr17:72,122,961, G duplicated; the last of 2 consecutive G bases (chr17:72,122,960-72,122,961); duplicating either gives the same sequence. VCF-style (leftmost placement, unchanged base first): chr17-72122959-C-CG. GRCh37 (hg19) VCF-style: chr17-70119100-C-CG.
Other names: short protein forms E226fs.
Identifiers: ClinVar variation 4723772 (VCV004723772.1).

ClinVar aggregate classification (germline): Pathogenic (1 of 4 stars; one submission).

Conditions:
Camptomelic dysplasia (CMPD). Also called: CMPD1/SRA1; Campomelic Dysplasia. Identifiers: Orphanet 140, MedGen C1861922, MONDO:0007251, OMIM 114290.

Submission:

Labcorp Genetics (formerly Invitae), Labcorp
Classification: Pathogenic for Camptomelic dysplasia. Last evaluated: 2025-07-27. Review status: criteria provided, single submitter. Criteria: Invitae Variant Classification Sherloc (09022015). Collection method: clinical testing. Allele origin: germline.
Comment: This sequence change creates a premature translational stop signal (p.Glu226Argfs*26) in the SOX9 gene. While this is not anticipated to result in nonsense mediated decay, it is expected to disrupt the last 284 amino acid(s) of the SOX9 protein. This variant is not present in population databases (gnomAD no frequency). This variant has not been reported in the literature in individuals affected with SOX9-related conditions. This variant disrupts a region of the SOX9 protein in which other variant(s) ( p.Tyr440*) have been determined to be pathogenic (PMID: 8001137, 9002675, 9452058; internal data). This suggests that this is a clinically significant region of the protein, and that variants that disrupt it are likely to be disease-causing. For these reasons, this variant has been classified as Pathogenic.

Literature cited by the submitters: PubMed 8001137; PubMed 9002675; PubMed 9452058.